The following is an entry in ClinVar:

ClinVar aggregate classification (germline): Uncertain significance. Review status: criteria provided, multiple submitters, no conflicts (2 of 4 stars). 3 submissions from 3 submitters: Uncertain significance (3). Last evaluated 2025-09-20.

Conditions:
NFKB1-related disorder. Also called: NFKB1-related condition.
Inborn genetic diseases. Identifiers: MedGen C0950123, MeSH D030342.

Allele frequency attached by ClinVar (database versions not stated): ExAC 0.00001; gnomAD exomes 0.00002 and 0.00006; TOPMed 0.00006; gnomAD 0.00007 and 0.00008.
gnomAD v4.1: 106 of 1,613,892 alleles (0.0066%); highest among the groups gnomAD compares: Admixed American, 0.0083%; no homozygotes.

Submissions (3):

Labcorp Genetics (formerly Invitae), Labcorp
Classification: Uncertain significance. Last evaluated: 2025-09-20. Review status: criteria provided, single submitter. Criteria: Invitae Variant Classification Sherloc (09022015). Collection method: clinical testing. Allele origin: germline.
Comment: This sequence change replaces tryptophan, which is neutral and slightly polar, with arginine, which is basic and polar, at codon 761 of the NFKB1 protein (p.Trp761Arg). This variant is present in population databases (rs764230559, gnomAD 0.01%). This variant has not been reported in the literature in individuals affected with NFKB1-related conditions. ClinVar contains an entry for this variant (Variation ID: 1415893). An algorithm developed to predict the effect of missense changes on protein structure and function (PolyPhen-2) suggests that this variant is likely to be tolerated. In summary, the available evidence is currently insufficient to determine the role of this variant in disease. Therefore, it has been classified as a Variant of Uncertain Significance.

PreventionGenetics, part of Exact Sciences
Classification: Uncertain significance for NFKB1-related condition. Last evaluated: 2024-10-16. Review status: criteria provided, single submitter. Criteria: ACMG Guidelines, 2015. Collection method: clinical testing. Allele origin: germline.
Comment: The NFKB1 c.2281T>A variant is predicted to result in the amino acid substitution p.Trp761Arg. To our knowledge, this variant has not been reported in the literature. This variant is reported in 0.012% of alleles in individuals of African descent in gnomAD. At this time, the clinical significance of this variant is uncertain due to the absence of conclusive functional and genetic evidence.

Ambry Genetics
Classification: Uncertain significance for Inborn genetic diseases. Last evaluated: 2022-11-01. Review status: criteria provided, single submitter. Criteria: Ambry Variant Classification Scheme 2023. Collection method: clinical testing. Allele origin: germline.

NM_003998.4(NFKB1):c.2281T>A (p.Trp761Arg)

Gene: NFKB1 (nuclear factor kappa B subunit 1; plus strand). Cytogenetic location: 4q24.
Variant type: single nucleotide variant.
Coding change: c.2281T>A on transcript NM_003998.4 (MANE Select); coding-DNA position 2281, T replaced by A.
Protein change: p.Trp761Arg; replaces tryptophan 761 with arginine.
Molecular consequence: missense variant.
Genome position (GRCh38, 1-based): chr4:102,610,628, T>A. VCF-style: chr4-102610628-T-A. GRCh37 (hg19) VCF-style: chr4-103531785-T-A.
Other names: c.2278T>A, p.Trp760Arg (NM_001165412.2, NM_001319226.2, NM_001382627.1); c.2281T>A, p.Trp761Arg (NM_001382625.1, NM_001382626.1); c.2239T>A, p.Trp747Arg (NM_001382628.1); c.2281T>A (NM_003998.3); short protein forms W760R, W761R, W747R.
Identifiers: ClinVar variation 1415893 (VCV001415893.10), dbSNP rs764230559, ClinGen allele CA3026383.